The following is an entry in ClinVar:

ClinVar aggregate classification (germline): Uncertain significance (1 of 4 stars; one submission).

Allele frequency attached by ClinVar (database versions not stated): ExAC 0.00002.
gnomAD v4.1: 5 of 1,613,162 alleles (0.00031%); highest among the groups gnomAD compares: South Asian, 0.0055%; no homozygotes.

Submission:

Labcorp Genetics (formerly Invitae), Labcorp
Classification: Uncertain significance. Last evaluated: 2022-08-13. Review status: criteria provided, single submitter. Criteria: Invitae Variant Classification Sherloc (09022015). Collection method: clinical testing. Allele origin: germline.
Comment: In summary, the available evidence is currently insufficient to determine the role of this variant in disease. Therefore, it has been classified as a Variant of Uncertain Significance. Algorithms developed to predict the effect of missense changes on protein structure and function (SIFT, PolyPhen-2, Align-GVGD) all suggest that this variant is likely to be tolerated. This variant has not been reported in the literature in individuals affected with CACNA2D4-related conditions. This variant is present in population databases (rs763125834, gnomAD 0.01%). This sequence change replaces arginine, which is basic and polar, with glycine, which is neutral and non-polar, at codon 906 of the CACNA2D4 protein (p.Arg906Gly).

NM_172364.5(CACNA2D4):c.2716C>G (p.Arg906Gly)

Gene: CACNA2D4 (calcium voltage-gated channel auxiliary subunit alpha2delta 4; minus strand). Cytogenetic location: 12p13.33.
Variant type: single nucleotide variant.
Coding change: c.2716C>G on transcript NM_172364.5 (MANE Select); coding-DNA position 2716, C replaced by G.
Protein change: p.Arg906Gly; replaces arginine 906 with glycine.
Molecular consequence: missense variant.
Genome position (GRCh38, 1-based): chr12:1,810,283, G>C on the plus strand (C>G on the coding strand, the complement: CACNA2D4 is on the minus strand). VCF-style: chr12-1810283-G-C. GRCh37 (hg19) VCF-style: chr12-1919449-G-C.
Other names: short protein forms R906G.
Identifiers: ClinVar variation 2087394 (VCV002087394.4), dbSNP rs763125834, ClinGen allele CA6386245.
Genomic context (GRCh38, chr12:1,810,283, plus strand): 5'-GTCTCCAGTCCTCCTGCCGCCCTCTCCCCCTCATTCTATATCCCCAGTGACTCACCTCTC[G>C]GGACCTCTTGGAGATCAGAATGAACCCGTTGTTGTCGATGACGAAGCAGTCCAGATCCTG-3'
Protein context (NP_758952.4, residues 896-916): NGFILISKRS[Arg906Gly]ETGRFLGEVD